The following is an entry in ClinVar:

NM_006904.7(PRKDC):c.7256A>G (p.Asp2419Gly)

Gene: PRKDC (protein kinase, DNA-activated, catalytic subunit; minus strand). Cytogenetic location: 8q11.21.
Variant type: single nucleotide variant.
Coding change: c.7256A>G on transcript NM_006904.7 (MANE Select); coding-DNA position 7256, A replaced by G.
Protein change: p.Asp2419Gly; replaces aspartic acid 2419 with glycine.
Molecular consequence: missense variant.
Genome position (GRCh38, 1-based): chr8:47,849,178, T>C on the plus strand (A>G on the coding strand, the complement: PRKDC is on the minus strand). VCF-style: chr8-47849178-T-C. GRCh37 (hg19) VCF-style: chr8-48761739-T-C.
Other names: c.7256A>G, p.Asp2419Gly (NM_001081640.2); short protein forms D2419G.
Identifiers: ClinVar variation 2002740 (VCV002002740.4), dbSNP rs1346298438, ClinGen allele CA371157312.
Genomic context (GRCh38, chr8:47,849,178, plus strand): 5'-CAGTGGGACCCAAGAGCAGGGCTAGTGTTCACTCACCTATGTCTCATGACTTGAACGAAG[T>C]CCTTGCTCTTTAACTGGAAGTACAGCTCTGTCATTCCCTCCACACGACAAAGTACCACCT-3'
Protein context (NP_008835.5, residues 2409-2429): TELYFQLKSK[Asp2419Gly]FVQVMRHRDD

ClinVar aggregate classification (germline): Uncertain significance (1 of 4 stars; one submission).

Conditions:
Severe combined immunodeficiency due to DNA-PKcs deficiency. Also called: Immunodeficiency 26 with or without neurologic abnormalities; IMMUNODEFICIENCY 26 WITH NEUROLOGIC ABNORMALITIES. Identifiers: Orphanet 317425, MedGen C4014833, MONDO:0014423, OMIM 615966.

Allele frequency attached by ClinVar (database versions not stated): TOPMed below 0.00001; gnomAD 0.00001; gnomAD exomes 0.00001.
gnomAD v4.1: 7 of 1,613,830 alleles (0.00043%); highest among the groups gnomAD compares: East Asian, 0.016%; no homozygotes.

Submission:

Labcorp Genetics (formerly Invitae), Labcorp
Classification: Uncertain significance for Severe combined immunodeficiency due to DNA-PKcs deficiency. Last evaluated: 2022-06-07. Review status: criteria provided, single submitter. Criteria: Invitae Variant Classification Sherloc (09022015). Collection method: clinical testing. Allele origin: germline.
Comment: In summary, the available evidence is currently insufficient to determine the role of this variant in disease. Therefore, it has been classified as a Variant of Uncertain Significance. Experimental studies and prediction algorithms are not available or were not evaluated, and the functional significance of this variant is currently unknown. This variant has not been reported in the literature in individuals affected with PRKDC-related conditions. This variant is not present in population databases (gnomAD no frequency). This sequence change replaces aspartic acid, which is acidic and polar, with glycine, which is neutral and non-polar, at codon 2419 of the PRKDC protein (p.Asp2419Gly).